The following is an entry in ClinVar:

ClinVar aggregate classification (germline): Uncertain significance (1 of 4 stars; one submission).

Conditions:
Leigh syndrome (NULS). Also called: Leigh's necrotizing encephalopathy; Leigh's disease; Leigh Syndrome (mtDNA deletion); Leigh Disease; Subacute necrotizing encephalopathy; Necrotizing encephalopathy infantile subacute of Leigh. Identifiers: Orphanet 506, MedGen C2931891, MONDO:0009723, OMIM 256000.

Submission:

Wong Mito Lab, Molecular and Human Genetics, Baylor College of Medicine
Classification: Uncertain significance for Leigh syndrome. Last evaluated: 2019-10-17. Review status: criteria provided, single submitter. Criteria: Modified ACMG Guidelines (Unpublished). Collection method: clinical testing. Allele origin: germline.
Comment: The NC_012920.1:m.8252C>T (YP_003024029.1:p.Pro223Ser) variant in MTCO2 gene is interpretated to be a Uncertain Significance variant based on the modified ACMG guidelines (unpublished). This variant meets the following evidence codes: PP4, PP6, BP4

NC_012920.1(MT-CO2):m.8252C>T

Gene: MT-CO2 (mitochondrially encoded cytochrome c oxidase II; plus strand).
Variant type: single nucleotide variant.
Genome position: chrM-8252-C-T.
Identifiers: ClinVar variation 692829 (VCV000692829.1), dbSNP rs1603221351, ClinGen allele CA414795702.